The following is an entry in ClinVar:

NM_001321739.2(M1AP):c.861A>G (p.Lys287=)

Gene: M1AP (meiosis 1 associated protein; minus strand). Cytogenetic location: 2p13.1.
Variant type: single nucleotide variant.
Coding change: c.861A>G on transcript NM_001321739.2 (MANE Select); coding-DNA position 861, A replaced by G.
Protein change: p.Lys287=; no amino-acid change (lysine 287 retained).
Molecular consequence: synonymous variant.
Genome position (GRCh38, 1-based): chr2:74,576,527, T>C on the plus strand (A>G on the coding strand, the complement: M1AP is on the minus strand). VCF-style: chr2-74576527-T-C. GRCh37 (hg19) VCF-style: chr2-74803654-T-C.
Other names: c.861A>G, p.Lys287= (NM_001281295.2, NM_001281296.2, NM_138804.5).
Identifiers: ClinVar variation 2651078 (VCV002651078.24), dbSNP rs755225252, ClinGen allele CA1729935.

ClinVar aggregate classification (germline): Uncertain significance (1 of 4 stars; one submission).

Allele frequency attached by ClinVar (database versions not stated): ExAC 0.00004; gnomAD exomes 0.00006; gnomAD 0.00007; TOPMed 0.00011.
gnomAD v4.1: 101 of 1,613,960 alleles (0.0063%); highest among the groups gnomAD compares: Admixed American, 0.022%; no homozygotes.

Submission:

CeGaT Center for Human Genetics Tuebingen
Classification: Uncertain significance. Last evaluated: 2023-10-01. Review status: criteria provided, single submitter. Criteria: CeGaT Center For Human Genetics Tuebingen Variant Classification Criteria Version 2. Collection method: clinical testing. Allele origin: germline. Affected: yes. Observed: 1 variant allele.
Comment: M1AP: PM2:Supporting, BP4